The following is an entry in ClinVar:

NM_001184.4(ATR):c.246G>A (p.Met82Ile)

Gene: ATR (ATR checkpoint kinase; minus strand). Cytogenetic location: 3q23.
Variant type: single nucleotide variant.
Coding change: c.246G>A on transcript NM_001184.4 (MANE Select); coding-DNA position 246, G replaced by A.
Protein change: p.Met82Ile; replaces methionine 82 with isoleucine.
Molecular consequence: missense variant.
Genome position (GRCh38, 1-based): chr3:142,566,167, C>T on the plus strand (G>A on the coding strand, the complement: ATR is on the minus strand). VCF-style: chr3-142566167-C-T. GRCh37 (hg19) VCF-style: chr3-142285009-C-T.
Other names: c.246G>A, p.Met82Ile (NM_001354579.2); short protein forms M82I.
Identifiers: ClinVar variation 3221082 (VCV003221082.1), dbSNP rs2108494104, ClinGen allele CA354828425.

ClinVar aggregate classification (germline): Uncertain significance (1 of 4 stars; one submission).

Conditions:
Inborn genetic diseases. Identifiers: MedGen C0950123, MeSH D030342.

Submission:

Ambry Genetics
Classification: Uncertain significance for Inborn genetic diseases. Last evaluated: 2024-01-27. Review status: criteria provided, single submitter. Criteria: Ambry Variant Classification Scheme 2023. Collection method: clinical testing. Allele origin: germline.
Comment: The p.M82I variant (also known as c.246G>A), located in coding exon 3 of the ATR gene, results from a G to A substitution at nucleotide position 246. The methionine at codon 82 is replaced by isoleucine, an amino acid with highly similar properties. This amino acid position is conserved. In addition, the in silico prediction for this alteration is inconclusive. Based on the available evidence, the clinical significance of this alteration remains unclear.